The following is an entry in ClinVar:

NM_014714.4(IFT140):c.684C>T (p.Ser228=)

Genes: IFT140 (intraflagellar transport 140; minus strand), LOC105371046 (uncharacterized LOC105371046; plus strand). Cytogenetic location: 16p13.3.
Variant type: single nucleotide variant.
Coding change: c.684C>T on transcript NM_014714.4 (MANE Select); coding-DNA position 684, C replaced by T.
Protein change: p.Ser228=; no amino-acid change (serine 228 retained).
Molecular consequence: synonymous variant.
Genome position (GRCh38, 1-based): chr16:1,589,731, G>A on the plus strand (C>T on the coding strand, the complement: IFT140 is on the minus strand). VCF-style: chr16-1589731-G-A. GRCh37 (hg19) VCF-style: chr16-1639732-G-A.
Identifiers: ClinVar variation 1090352 (VCV001090352.16), dbSNP rs765361599, ClinGen allele CA7814607.

ClinVar aggregate classification (germline): Likely benign. Review status: criteria provided, multiple submitters, no conflicts (2 of 4 stars). 3 submissions from 3 submitters: Likely benign (3). Last evaluated 2026-01-14.

Conditions:
Saldino-Mainzer syndrome (SRTD9). Also called: Renal dysplasia, retinal pigmentary dystrophy, cerebellar ataxia and skeletal dysplasia; short-rib thoracic dysplasia 9 with or without polydactyly; CONORENAL SYNDROME; SHORT-RIB THORACIC DYSPLASIA 9 WITHOUT POLYDACTYLY. Identifiers: Orphanet 140969, MedGen C1849437, MONDO:0009964, OMIM 266920.

Allele frequency attached by ClinVar (database versions not stated): gnomAD 0.00003; gnomAD exomes 0.00004 and 0.00010; TOPMed 0.00004; ExAC 0.00010.
gnomAD v4.1: 61 of 1,614,000 alleles (0.0038%); highest among the groups gnomAD compares: Middle Eastern, 0.082%; no homozygotes.

Submissions (3):

Labcorp Genetics (formerly Invitae), Labcorp
Classification: Likely benign for Saldino-Mainzer syndrome. Last evaluated: 2026-01-14. Review status: criteria provided, single submitter. Criteria: Invitae Variant Classification Sherloc (09022015). Collection method: clinical testing. Allele origin: germline.

CeGaT Center for Human Genetics Tuebingen
Classification: Likely benign. Last evaluated: 2025-11-01. Review status: criteria provided, single submitter. Criteria: CeGaT Center For Human Genetics Tuebingen Variant Classification Criteria Version 2. Collection method: clinical testing. Allele origin: germline. Affected: yes. Observed: 1 variant allele.
Comment: IFT140: BP4, BP7

Blueprint Genetics
Classification: Likely benign. Last evaluated: 2024-08-06. Review status: criteria provided, single submitter. Criteria: ACMG Guidelines, 2015. Collection method: clinical testing. Allele origin: germline.